The following is an entry in ClinVar:

NM_001927.4(DES):c.794T>C (p.Met265Thr)

Gene: DES (desmin; plus strand). Cytogenetic location: 2q35.
Variant type: single nucleotide variant.
Coding change: c.794T>C on transcript NM_001927.4 (MANE Select); coding-DNA position 794, T replaced by C.
Protein change: p.Met265Thr; replaces methionine 265 with threonine.
Molecular consequence: missense variant. On other transcripts: intron variant (1).
Genome position (GRCh38, 1-based): chr2:219,420,553, T>C. VCF-style: chr2-219420553-T-C. GRCh37 (hg19) VCF-style: chr2-220285275-T-C.
Other names: c.791T>C, p.Met264Thr (NM_001382708.1); c.794T>C, p.Met265Thr (NM_001382710.1, NM_001382711.1, NM_001382712.1); c.524T>C, p.Met175Thr (NM_001382713.1); c.735+207T>C (NM_001382709.1); short protein forms M175T, M264T, M265T.
Identifiers: ClinVar variation 1195145 (VCV001195145.11), dbSNP rs1457398926, ClinGen allele CA350691126.

ClinVar aggregate classification (germline): Uncertain significance. Review status: criteria provided, multiple submitters, no conflicts (2 of 4 stars). 3 submissions from 3 submitters: Uncertain significance (3). Last evaluated 2025-12-08.

Conditions:
Desmin-related myofibrillar myopathy (MFM1). Also called: Myofibrillar myopathy 1; Desmin related myopathy (former name); Desmin storage myopathy (former name); Desminopathy; DESMIN-RELATED MYOPATHY WITH ARRHYTHMOGENIC RIGHT VENTRICULAR CARDIOMYOPATHY; MYOFIBRILLAR MYOPATHY WITH ARRHYTHMOGENIC RIGHT VENTRICULAR CARDIOMYOPATHY. Identifiers: Orphanet 363543, Orphanet 98909, MedGen C1832370, MONDO:0011076, OMIM 601419.
Cardiovascular phenotype. Identifiers: MedGen CN230736.

Allele frequency attached by ClinVar (database versions not stated): gnomAD exomes below 0.00001; TOPMed below 0.00001; gnomAD 0.00001.
gnomAD v4.1: 5 of 1,613,796 alleles (0.00031%); highest among the groups gnomAD compares: African/African-American, 0.0027%; no homozygotes.

Submissions (3):

Labcorp Genetics (formerly Invitae), Labcorp
Classification: Uncertain significance for Desmin-related myofibrillar myopathy. Last evaluated: 2025-12-08. Review status: criteria provided, single submitter. Criteria: Invitae Variant Classification Sherloc (09022015). Collection method: clinical testing. Allele origin: germline.
Comment: This sequence change replaces methionine, which is neutral and non-polar, with threonine, which is neutral and polar, at codon 265 of the DES protein (p.Met265Thr). This variant is present in population databases (no rsID available, gnomAD 0.007%). This variant has not been reported in the literature in individuals affected with DES-related conditions. ClinVar contains an entry for this variant (Variation ID: 1195145). Invitae Evidence Modeling of protein sequence and biophysical properties (such as structural, functional, and spatial information, amino acid conservation, physicochemical variation, residue mobility, and thermodynamic stability) has been performed for this missense variant. However, the output from this modeling did not meet the statistical confidence thresholds required to predict the impact of this variant on DES protein function. In summary, the available evidence is currently insufficient to determine the role of this variant in disease. Therefore, it has been classified as a Variant of Uncertain Significance.

Ambry Genetics
Classification: Uncertain significance for Cardiovascular phenotype. Last evaluated: 2024-03-30. Review status: criteria provided, single submitter. Criteria: Ambry Variant Classification Scheme 2023. Collection method: clinical testing. Allele origin: germline.
Comment: The p.M265T variant (also known as c.794T>C), located in coding exon 4 of the DES gene, results from a T to C substitution at nucleotide position 794. The methionine at codon 265 is replaced by threonine, an amino acid with similar properties. This amino acid position is conserved. In addition, the in silico prediction for this alteration is inconclusive. Since supporting evidence is limited at this time, the clinical significance of this alteration remains unclear.

GeneDx
Classification: Uncertain significance. Last evaluated: 2019-04-26. Review status: criteria provided, single submitter. Criteria: GeneDx Variant Classification Process June 2021. Collection method: clinical testing. Allele origin: germline. Affected: yes.
Comment: Not observed at a significant frequency in large population cohorts (Lek et al., 2016); In silico analysis, which includes protein predictors and evolutionary conservation, supports that this variant does not alter protein structure/function; Has not been previously published as pathogenic or benign to our knowledge